The following is an entry in ClinVar:

ClinVar aggregate classification (germline): Likely benign (1 of 4 stars; one submission).

Conditions:
CREBBP-related disorder. Also called: CREBBP-related condition; CREBBP-related disorders.

gnomAD v4.1: 3 of 1,614,012 alleles (0.00019%); highest among the groups gnomAD compares: Admixed American, 0.0017%; no homozygotes.

Submission:

PreventionGenetics, part of Exact Sciences
Classification: Likely benign for CREBBP-related condition. Last evaluated: 2024-10-11. Review status: criteria provided, single submitter. Criteria: ACMG Guidelines, 2015. Collection method: clinical testing. Allele origin: germline.
Comment: This variant is classified as likely benign based on ACMG/AMP sequence variant interpretation guidelines (Richards et al. 2015 PMID: 25741868, with internal and published modifications).

NM_004380.3(CREBBP):c.6342C>T (p.Gly2114=)

Gene: CREBBP (CREB binding lysine acetyltransferase; minus strand). Cytogenetic location: 16p13.3.
Variant type: single nucleotide variant.
Coding change: c.6342C>T on transcript NM_004380.3 (MANE Select); coding-DNA position 6342, C replaced by T.
Protein change: p.Gly2114=; no amino-acid change (glycine 2114 retained).
Molecular consequence: synonymous variant.
Genome position (GRCh38, 1-based): chr16:3,728,705, G>A on the plus strand (C>T on the coding strand, the complement: CREBBP is on the minus strand). VCF-style: chr16-3728705-G-A. GRCh37 (hg19) VCF-style: chr16-3778706-G-A.
Other names: c.6228C>T, p.Gly2076= (NM_001079846.1).
Identifiers: ClinVar variation 4983653 (VCV004983653.1).